The following is an entry in ClinVar:

ClinVar aggregate classification (germline): Likely benign. Review status: criteria provided, multiple submitters, no conflicts (2 of 4 stars). 6 submissions from 6 submitters: Likely benign (6). Last evaluated 2026-05-27.

Conditions:
SBF1-related disorder. Also called: SBF1-related condition.

Allele frequency attached by ClinVar (database versions not stated): gnomAD exomes 0.00007 and 0.00009; gnomAD 0.00009 and 0.00010; ExAC 0.00011; TOPMed 0.00012.

Submissions (6):

PreventionGenetics, part of Exact Sciences
Classification: Likely benign for SBF1-related condition. Last evaluated: 2026-05-27. Review status: criteria provided, single submitter. Criteria: ACMG Guidelines, 2015. Collection method: clinical testing. Allele origin: germline.
Comment: This variant is classified as likely benign based on ACMG/AMP sequence variant interpretation guidelines (Richards et al. 2015 PMID: 25741868, with internal and published modifications).

Labcorp Genetics (formerly Invitae), Labcorp
Classification: Likely benign. Last evaluated: 2025-11-25. Review status: criteria provided, single submitter. Criteria: Invitae Variant Classification Sherloc (09022015). Collection method: clinical testing. Allele origin: germline.

Women's Health and Genetics/Laboratory Corporation of America, LabCorp
Classification: Likely benign. Last evaluated: 2025-07-31. Review status: criteria provided, single submitter. Criteria: LabCorp Variant Classification Summary - May 2015. Collection method: clinical testing. Allele origin: germline.

Blueprint Genetics
Classification: Likely benign. Last evaluated: 2024-11-25. Review status: criteria provided, single submitter. Criteria: ACMG Guidelines, 2015. Collection method: clinical testing. Allele origin: germline.

CeGaT Center for Human Genetics Tuebingen
Classification: Likely benign. Last evaluated: 2023-02-01. Review status: criteria provided, single submitter. Criteria: CeGaT Center For Human Genetics Tuebingen Variant Classification Criteria Version 2. Collection method: clinical testing. Allele origin: germline. Affected: yes. Observed: 1 variant allele.
Comment: SBF1: BP4, BP7

GeneDx
Classification: Likely benign. Last evaluated: 2018-09-20. Review status: criteria provided, single submitter. Criteria: GeneDx Variant Classification Process June 2021. Collection method: clinical testing. Allele origin: germline. Affected: yes.

NM_002972.4(SBF1):c.5229C>T (p.Pro1743=)

Gene: SBF1 (SET binding factor 1; minus strand). Cytogenetic location: 22q13.33.
Variant type: single nucleotide variant.
Coding change: c.5229C>T on transcript NM_002972.4 (MANE Select); coding-DNA position 5229, C replaced by T.
Protein change: p.Pro1743=; no amino-acid change (proline 1743 retained).
Molecular consequence: synonymous variant.
Genome position (GRCh38, 1-based): chr22:50,448,367, G>A on the plus strand (C>T on the coding strand, the complement: SBF1 is on the minus strand). VCF-style: chr22-50448367-G-A. GRCh37 (hg19) VCF-style: chr22-50886796-G-A.
Other names: c.5154C>T, p.Pro1718= (NM_001365819.1); c.5229C>T (NM_002972.3).
Identifiers: ClinVar variation 1207994 (VCV001207994.38), dbSNP rs201402818, ClinGen allele CA10315925.